The following is an entry in ClinVar:

ClinVar aggregate classification (germline): Uncertain significance. Review status: criteria provided, multiple submitters, no conflicts (2 of 4 stars). 4 submissions from 4 submitters: Uncertain significance (4). Last evaluated 2023-07-18.

Conditions:
Congenital myotonia, autosomal recessive form. Also called: BECKER DISEASE; Becker Generalized Myotonia; myotonia congenita, autosomal recessive. Identifiers: Orphanet 614, MedGen C0751360, MONDO:0009715, OMIM 255700.
Congenital myotonia, autosomal dominant form (THD). Also called: THOMSEN DISEASE; Myotonia congenita autosomal dominant. Identifiers: Orphanet 614, MedGen C2936781, MONDO:0008055, OMIM 160800.

gnomAD v4.1: 2 of 1,613,908 alleles (0.00012%); highest among the groups gnomAD compares: African/African-American, 0.0013%; no homozygotes.

Submissions (4):

Women's Health and Genetics/Laboratory Corporation of America, LabCorp
Classification: Uncertain significance. Last evaluated: 2023-07-18. Review status: criteria provided, single submitter. Criteria: LabCorp Variant Classification Summary - May 2015. Collection method: clinical testing. Allele origin: germline.
Comment: Variant summary: CLCN1 c.809G>A (p.Gly270Asp) results in a non-conservative amino acid change in the encoded protein sequence. Five of five in-silico tools predict a damaging effect of the variant on protein function. The variant was absent in 251488 control chromosomes (gnomAD). The available data on variant occurrences in the general population are insufficient to allow any conclusion about variant significance. c.809G>A has been reported in the literature in at least one individual affected with Myotonia congenita (Mazon_2012). These data do not allow any conclusion about variant significance. To our knowledge, no experimental evidence demonstrating an impact on protein function has been reported. The following publication has been ascertained in the context of this evaluation (PMID: 22094069). One ClinVar submitter has assessed the variant since 2014, and classified the variant as uncertain significance. Based on the evidence outlined above, the variant was classified as uncertain significance.

Neuberg Centre For Genomic Medicine, NCGM
Classification: Uncertain significance for Congenital myotonia, autosomal recessive form. Last evaluated: 2023-06-22. Review status: criteria provided, single submitter. Criteria: ACMG Guidelines, 2015. Collection method: clinical testing. Allele origin: germline. Inheritance: Autosomal recessive inheritance. Affected: yes.
Comment: The observed missense c.809G>A(p.Gly270Asp) variant in CLCN1 gene has been reported in compound heterozygous state in an individual affected with Myotonia congenita (Mazón MJ, et. al., 2012). The p.Gly270Asp variant is absent in gnomAD Exomes database. This variant has been reported to the ClinVar database as Uncertain significance. Multiple lines of computational evidence (Polyphen - probably Damaging , SIFT - Damaging and MutationTaster -Disease causing) predict damaging effect on protein structure and function for this variant. The reference amino acid in CLCN1 is predicted as conserved by GERP++ and PhyloP across 100 vertebrates. The amino acid Gly at position 270 is changed to a Asp changing protein sequence and it might alter its composition and physico-chemical properties. For these reasons, this variant has been classified as Uncertain Significance (VUS).

Department of Pathology and Laboratory Medicine, Sinai Health System
Classification: Uncertain significance for Congenital myotonia, autosomal dominant form; Congenital myotonia, autosomal recessive form. Last evaluated: 2023-04-03. Review status: criteria provided, single submitter. Criteria: ACMG Guidelines, 2015. Collection method: research. Allele origin: germline.

Athena Diagnostics
Classification: Uncertain significance. Last evaluated: 2018-05-10. Review status: criteria provided, single submitter. Criteria: Athena Diagnostics Criteria. Collection method: clinical testing. Allele origin: germline.

Literature cited by the submitters: PubMed 22094069 (cited by Women's Health and Genetics/Laboratory Corporation of America, LabCorp and Athena Diagnostics).

NM_000083.3(CLCN1):c.809G>A (p.Gly270Asp)

Gene: CLCN1 (chloride voltage-gated channel 1; plus strand). Cytogenetic location: 7q34.
Variant type: single nucleotide variant.
Coding change: c.809G>A on transcript NM_000083.3 (MANE Select); coding-DNA position 809, G replaced by A.
Protein change: p.Gly270Asp; replaces glycine 270 with aspartic acid.
Molecular consequence: missense variant. On other transcripts: non-coding transcript variant (1).
Genome position (GRCh38, 1-based): chr7:143,324,448, G>A. VCF-style: chr7-143324448-G-A. GRCh37 (hg19) VCF-style: chr7-143021541-G-A.
Other names: short protein forms G270D.
Identifiers: ClinVar variation 585694 (VCV000585694.4), dbSNP rs1490537212, ClinGen allele CA369687535.